The following is an entry in ClinVar:

ClinVar aggregate classification (germline): Uncertain significance (1 of 4 stars; one submission).

Conditions:
Intellectual developmental disorder, autosomal dominant 6, with or without seizures. Also called: GRIN2B-related developmental delay, intellectual disability and autism spectrum disorder; Intellectual disability, autosomal dominant 6. Identifiers: Orphanet 589547, MedGen C3151411, MONDO:0013509, OMIM 613970.
Developmental and epileptic encephalopathy, 27 (DEE27). Also called: GRIN2B-Related Neurodevelopmental Disorder; Epileptic encephalopathy, early infantile, 27. Identifiers: Orphanet 3451, MedGen C4015316, MONDO:0014505, OMIM 616139.

Submission:

Labcorp Genetics (formerly Invitae), Labcorp
Classification: Uncertain significance for Developmental and epileptic encephalopathy, 27; Intellectual developmental disorder, autosomal dominant 6, with or without seizures. Last evaluated: 2022-03-02. Review status: criteria provided, single submitter. Criteria: Invitae Variant Classification Sherloc (09022015). Collection method: clinical testing. Allele origin: germline.
Comment: This variant has not been reported in the literature in individuals affected with GRIN2B-related conditions. This variant is not present in population databases (gnomAD no frequency). This sequence change replaces isoleucine, which is neutral and non-polar, with methionine, which is neutral and non-polar, at codon 126 of the GRIN2B protein (p.Ile126Met). Algorithms developed to predict the effect of missense changes on protein structure and function are either unavailable or do not agree on the potential impact of this missense change (SIFT: "Tolerated"; PolyPhen-2: "Possibly Damaging"; Align-GVGD: "Class C0"). In summary, the available evidence is currently insufficient to determine the role of this variant in disease. Therefore, it has been classified as a Variant of Uncertain Significance.

NM_000834.5(GRIN2B):c.378C>G (p.Ile126Met)

Gene: GRIN2B (glutamate ionotropic receptor NMDA type subunit 2B; minus strand). Cytogenetic location: 12p13.1.
Variant type: single nucleotide variant.
Coding change: c.378C>G on transcript NM_000834.5 (MANE Select); coding-DNA position 378, C replaced by G.
Protein change: p.Ile126Met; replaces isoleucine 126 with methionine.
Molecular consequence: missense variant.
Genome position (GRCh38, 1-based): chr12:13,865,831, G>C on the plus strand (C>G on the coding strand, the complement: GRIN2B is on the minus strand). VCF-style: chr12-13865831-G-C. GRCh37 (hg19) VCF-style: chr12-14018765-G-C.
Other names: short protein forms I126M.
Identifiers: ClinVar variation 1389396 (VCV001389396.6), dbSNP rs2136746897, ClinGen allele CA384053574.